The following is an entry in ClinVar:

NM_015570.4(AUTS2):c.2224+1G>A

Gene: AUTS2 (activator of transcription and developmental regulator AUTS2; plus strand). Cytogenetic location: 7q11.22.
Variant type: single nucleotide variant.
Coding change: c.2224+1G>A on transcript NM_015570.4 (MANE Select); the canonical splice donor site of the intron after coding-DNA position 2224, G replaced by A.
Molecular consequence: splice donor variant.
Genome position (GRCh38, 1-based): chr7:70,785,020, G>A. VCF-style: chr7-70785020-G-A. GRCh37 (hg19) VCF-style: chr7-70250006-G-A.
Other names: c.2152+1G>A (NM_001127231.3).
Identifiers: ClinVar variation 3901013 (VCV003901013.1).
Genomic context (GRCh38, chr7:70,785,020, plus strand): 5'-GGACCCCTTTTGGGCCACCTCCTCATCACAGCAACTTCCTCAACCCTGCTGCCCACCTAG[G>A]TGAGTCGCCCAAAATAATGGGAACTGAGATGTGTGCTTCAGGCAACCCTGCTGTGTTTAC-3'

ClinVar aggregate classification (germline): Uncertain significance (1 of 4 stars; one submission).

Conditions:
Autism spectrum disorder due to AUTS2 deficiency (MRD26). Also called: INTELLECTUAL DEVELOPMENTAL DISORDER, AUTOSOMAL DOMINANT 26. Identifiers: Orphanet 352490, MedGen C4014435, MONDO:0014361, OMIM 615834.

Submission:

Laboratorio de Genetica e Diagnostico Molecular, Hospital Israelita Albert Einstein
Classification: Uncertain significance for Autism spectrum disorder due to AUTS2 deficiency. Last evaluated: 2025-04-25. Review status: criteria provided, single submitter. Criteria: ACMG Guidelines, 2015. Collection method: clinical testing. Allele origin: germline. Affected: yes.
Comment: ACMG classification criteria: PVS1 strong, PM2 supporting